The following is an entry in ClinVar:

NM_004370.6(COL12A1):c.590A>G (p.Tyr197Cys)

Gene: COL12A1 (collagen type XII alpha 1 chain; minus strand). Cytogenetic location: 6q13.
Variant type: single nucleotide variant.
Coding change: c.590A>G on transcript NM_004370.6 (MANE Select); coding-DNA position 590, A replaced by G.
Protein change: p.Tyr197Cys; replaces tyrosine 197 with cysteine.
Molecular consequence: missense variant. On other transcripts: intron variant (2).
Genome position (GRCh38, 1-based): chr6:75,189,620, T>C on the plus strand (A>G on the coding strand, the complement: COL12A1 is on the minus strand). VCF-style: chr6-75189620-T-C. GRCh37 (hg19) VCF-style: chr6-75899336-T-C.
Other names: c.73+13100A>G (NM_080645.3, NM_001424116.1); c.590A>G, p.Tyr197Cys (NM_001424113.1, NM_001424114.1, NM_001424115.1); short protein forms Y197C.
Identifiers: ClinVar variation 4782931 (VCV004782931.1).

ClinVar aggregate classification (germline): Uncertain significance (1 of 4 stars; one submission).

Conditions:
Ullrich congenital muscular dystrophy 2 (UCMD2). Identifiers: Orphanet 75840, MedGen C4225314, MONDO:0014654, OMIM 616470.
Bethlem myopathy 2 (BTHLM2). Identifiers: Orphanet 536516, Orphanet 610, MedGen C4225313, MONDO:0034022, OMIM 616471.

Submission:

Labcorp Genetics (formerly Invitae), Labcorp
Classification: Uncertain significance for Bethlem myopathy 2; Ullrich congenital muscular dystrophy 2. Last evaluated: 2025-04-09. Review status: criteria provided, single submitter. Criteria: Invitae Variant Classification Sherloc (09022015). Collection method: clinical testing. Allele origin: germline.
Comment: This sequence change replaces tyrosine, which is neutral and polar, with cysteine, which is neutral and slightly polar, at codon 197 of the COL12A1 protein (p.Tyr197Cys). This variant is not present in population databases (gnomAD no frequency). This variant has not been reported in the literature in individuals affected with COL12A1-related conditions. Invitae Evidence Modeling of protein sequence and biophysical properties (such as structural, functional, and spatial information, amino acid conservation, physicochemical variation, residue mobility, and thermodynamic stability) has been performed for this missense variant. However, the output from this modeling did not meet the statistical confidence thresholds required to predict the impact of this variant on COL12A1 protein function. In summary, the available evidence is currently insufficient to determine the role of this variant in disease. Therefore, it has been classified as a Variant of Uncertain Significance.